The following is an entry in ClinVar:

ClinVar aggregate classification (germline): Pathogenic. Review status: criteria provided, multiple submitters, no conflicts (2 of 4 stars). 6 submissions from 5 submitters: Pathogenic (5). 1 of the submissions does not count toward it. Last evaluated 2024-11-05.

Conditions:
Retinal dystrophy. Also called: Inherited retinal dystrophy. Identifiers: Orphanet 71862, MedGen C0854723, MeSH D058499, MONDO:0019118, HP:0000556.
Severe early-childhood-onset retinal dystrophy (STGD1). Also called: MACULAR DYSTROPHY WITH FLECKS, TYPE 1; STGD; Stargardt disease 1; Stargardt macular dystrophy; Juvenile onset macular degeneration. Identifiers: Orphanet 364055, Orphanet 827, MedGen C1855465, MeSH D000080362, MONDO:0009549, OMIM 248200.

Allele frequency attached by ClinVar (database versions not stated): gnomAD exomes below 0.00001.
gnomAD v4.1: 1 of 1,614,060 alleles (0.000062%); highest among the groups gnomAD compares: Non-Finnish European, 0.000085%; no homozygotes.

Submissions (6):

Labcorp Genetics (formerly Invitae), Labcorp
Classification: Pathogenic. Last evaluated: 2024-11-05. Review status: criteria provided, single submitter. Criteria: Invitae Variant Classification Sherloc (09022015). Collection method: clinical testing. Allele origin: germline.
Comment: This sequence change creates a premature translational stop signal (p.Trp41*) in the ABCA4 gene. It is expected to result in an absent or disrupted protein product. Loss-of-function variants in ABCA4 are known to be pathogenic (PMID: 10958761, 24938718, 25312043, 26780318). This variant is present in population databases (rs61751410, gnomAD 0.0009%). This premature translational stop signal has been observed in individuals with ABCA4-related retinal dystrophy (PMID: 19074458, 25444351, 30670881). ClinVar contains an entry for this variant (Variation ID: 99036). For these reasons, this variant has been classified as Pathogenic.

Institute of Human Genetics, Univ. Regensburg, Univ. Regensburg
Classification: Pathogenic for Retinal dystrophy. Last evaluated: 2023-01-01. Review status: criteria provided, single submitter. Criteria: ACMG Guidelines, 2015. Collection method: clinical testing. Allele origin: germline. Affected: yes.

Institute of Medical Genetics and Applied Genomics, University Hospital Tübingen
Classification: Pathogenic. Last evaluated: 2021-02-01. Review status: criteria provided, single submitter. Criteria: ACMG Guidelines, 2015. Collection method: clinical testing. Allele origin: germline. Inheritance: Autosomal recessive inheritance. Affected: yes.

GeneDx
Classification: Pathogenic. Last evaluated: 2018-08-07. Review status: criteria provided, single submitter. Criteria: GeneDx Variant Classification (06012015). Collection method: clinical testing. Allele origin: germline. Affected: yes.
Comment: The W41X nonsense variant has been reported previously in association with ABCA4-related disorders (Cideciyan et al., 2009; Schulz et al., 2017). This variant is predicted to cause loss of normal protein function either through protein truncation or nonsense-mediated mRNA decay. The variant is not observed at a significant frequency in large population cohorts (Lek et al., 2016). We consider this variant to be pathogenic.

Institute of Human Genetics, Univ. Regensburg, Univ. Regensburg
Classification: Pathogenic for Severe early-childhood-onset retinal dystrophy. Last evaluated: 2016-01-01. Review status: criteria provided, single submitter. Criteria: Schulz et al. (Invest Ophthalmol Vis Sci. 2017). Collection method: clinical testing, in vitro. Allele origin: germline, unknown. Affected: yes. Observed: 1 heterozygote. Functional consequence: sequence_variant_affecting_splicing.

Retina International
No classification provided. Review status: no classification provided. Collection method: not provided. Allele origin: not provided. Not counted in ClinVar's aggregate classification.

Literature cited by the submitters: PubMed 10958761 (cited by Labcorp Genetics (formerly Invitae), Labcorp); PubMed 24938718 (cited by Labcorp Genetics (formerly Invitae), Labcorp); PubMed 25312043 (cited by Labcorp Genetics (formerly Invitae), Labcorp); PubMed 26780318 (cited by Labcorp Genetics (formerly Invitae), Labcorp); PubMed 19074458 (cited by Labcorp Genetics (formerly Invitae), Labcorp and Institute of Human Genetics, Univ. Regensburg, Univ. Regensburg); PubMed 25444351 (cited by Labcorp Genetics (formerly Invitae), Labcorp); PubMed 30670881 (cited by Labcorp Genetics (formerly Invitae), Labcorp); PubMed 14517951 (cited by Institute of Human Genetics, Univ. Regensburg, Univ. Regensburg); PubMed 28118664 (cited by Institute of Human Genetics, Univ. Regensburg, Univ. Regensburg); PubMed 31964843 (cited by Institute of Human Genetics, Univ. Regensburg, Univ. Regensburg); PubMed 32307445 (cited by Institute of Human Genetics, Univ. Regensburg, Univ. Regensburg).

NM_000350.3(ABCA4):c.122G>A (p.Trp41Ter)

Gene: ABCA4 (ATP binding cassette subfamily A member 4; minus strand). Cytogenetic location: 1p22.1.
Variant type: single nucleotide variant.
Coding change: c.122G>A on transcript NM_000350.3 (MANE Select); coding-DNA position 122, G replaced by A.
Protein change: p.Trp41Ter; replaces tryptophan 41 with a stop codon.
Molecular consequence: nonsense.
Genome position (GRCh38, 1-based): chr1:94,113,011, C>T on the plus strand (G>A on the coding strand, the complement: ABCA4 is on the minus strand). VCF-style: chr1-94113011-C-T. GRCh37 (hg19) VCF-style: chr1-94578567-C-T.
Other names: c.122G>A, p.Trp41Ter (NM_001425324.1); short protein forms W41*.
Identifiers: ClinVar variation 99036 (VCV000099036.13), dbSNP rs61751410, ClinGen allele CA226874.